The following is an entry in ClinVar:

ClinVar aggregate classification (germline): Likely benign (0 of 4 stars; one submission).

Conditions:
DNAH7-related disorder. Also called: DNAH7-related condition.

Allele frequency attached by ClinVar (database versions not stated): TOPMed 0.00003; gnomAD 0.00016; gnomAD exomes 0.00031; ExAC 0.00071; 1000 Genomes Project 30x 0.00078; 1000 Genomes Project 0.00080.
gnomAD v4.1: 473 of 1,613,976 alleles (0.029%); highest among the groups gnomAD compares: South Asian, 0.5%; 3 homozygotes.

Submission:

PreventionGenetics, part of Exact Sciences
Classification: Likely benign for DNAH7-related condition. Last evaluated: 2019-09-05. Review status: no assertion criteria provided. Collection method: clinical testing. Allele origin: germline.
Comment: This variant is classified as likely benign based on ACMG/AMP sequence variant interpretation guidelines (Richards et al. 2015 PMID: 25741868, with internal and published modifications).

NM_018897.3(DNAH7):c.1849G>A (p.Val617Met)

Gene: DNAH7 (dynein axonemal heavy chain 7; minus strand). Cytogenetic location: 2q32.3.
Variant type: single nucleotide variant.
Coding change: c.1849G>A on transcript NM_018897.3 (MANE Select); coding-DNA position 1849, G replaced by A.
Protein change: p.Val617Met; replaces valine 617 with methionine.
Molecular consequence: missense variant.
Genome position (GRCh38, 1-based): chr2:195,972,451, C>T on the plus strand (G>A on the coding strand, the complement: DNAH7 is on the minus strand). VCF-style: chr2-195972451-C-T. GRCh37 (hg19) VCF-style: chr2-196837175-C-T.
Other names: short protein forms V617M.
Identifiers: ClinVar variation 3053565 (VCV003053565.2), dbSNP rs576171778, ClinGen allele CA2036499.